The following is an entry in ClinVar:

NM_018136.5(ASPM):c.7353G>A (p.Leu2451=)

Gene: ASPM (assembly factor for spindle microtubules; minus strand). Cytogenetic location: 1q31.3.
Variant type: single nucleotide variant.
Coding change: c.7353G>A on transcript NM_018136.5 (MANE Select); coding-DNA position 7353, G replaced by A.
Protein change: p.Leu2451=; no amino-acid change (leucine 2451 retained).
Molecular consequence: synonymous variant. On other transcripts: intron variant (1).
Genome position (GRCh38, 1-based): chr1:197,101,898, C>T on the plus strand (G>A on the coding strand, the complement: ASPM is on the minus strand). VCF-style: chr1-197101898-C-T. GRCh37 (hg19) VCF-style: chr1-197071028-C-T.
Other names: c.4066-5734G>A (NM_001206846.2).
Identifiers: ClinVar variation 157868 (VCV000157868.22), dbSNP rs111487086, ClinGen allele CA171240.

ClinVar aggregate classification (germline): Benign/Likely benign. Review status: criteria provided, multiple submitters, no conflicts (2 of 4 stars). 7 submissions from 7 submitters: Benign (5); Likely benign (2). Last evaluated 2026-01-20.

Conditions:
Microcephaly 5, primary, autosomal recessive (MCPH5). Also called: ASPM Primary Microcephaly. Identifiers: Orphanet 2512, MedGen C1837501, MONDO:0012106, OMIM 608716.

Allele frequency attached by ClinVar (database versions not stated): ExAC 0.00329; gnomAD 0.00903 and 0.00949; 1000 Genomes Project 30x 0.00937; 1000 Genomes Project 0.00978; TOPMed 0.00989; ESP Exome Variant Server 0.01062.
gnomAD v4.1: 3,584 of 1,612,794 alleles (0.22%); highest among the groups gnomAD compares: African/African-American, 2.9%; 36 homozygotes.

Submissions (7):

Labcorp Genetics (formerly Invitae), Labcorp
Classification: Benign. Last evaluated: 2026-01-20. Review status: criteria provided, single submitter. Criteria: Invitae Variant Classification Sherloc (09022015). Collection method: clinical testing. Allele origin: germline.

Athena Diagnostics
Classification: Benign. Last evaluated: 2024-09-30. Review status: criteria provided, single submitter. Criteria: Athena Diagnostics Criteria. Collection method: clinical testing. Allele origin: unknown.

Genome-Nilou Lab
Classification: Benign for Microcephaly 5, primary, autosomal recessive. Last evaluated: 2023-04-11. Review status: criteria provided, single submitter. Criteria: ACMG Guidelines, 2015. Collection method: clinical testing. Allele origin: germline. Affected: no.

Illumina Laboratory Services, Illumina
Classification: Likely benign for Microcephaly 5, primary, autosomal recessive. Last evaluated: 2018-01-13. Review status: criteria provided, single submitter. Criteria: ICSL Variant Classification Criteria 13 December 2019. Collection method: clinical testing. Allele origin: germline.
Comment: This variant was observed in the ICSL laboratory as part of a predisposition screen in an ostensibly healthy population. It had not been previously curated by ICSL or reported in the Human Gene Mutation Database (HGMD: prior to June 1st, 2018), and was therefore a candidate for classification through an automated scoring system. Utilizing variant allele frequency, disease prevalence and penetrance estimates, and inheritance mode, an automated score was calculated to assess if this variant is too frequent to cause the disease. Based on the score and internal cut-off values, a variant classified as likely benign is not then subjected to further curation. The score for this variant resulted in a classification of likely benign for this disease.

GeneDx
Classification: Benign. Last evaluated: 2016-03-09. Review status: criteria provided, single submitter. Criteria: GeneDx Variant Classification (06012015). Collection method: clinical testing. Allele origin: germline. Affected: yes.
Comment: This variant is considered likely benign or benign based on one or more of the following criteria: it is a conservative change, it occurs at a poorly conserved position in the protein, it is predicted to be benign by multiple in silico algorithms, and/or has population frequency not consistent with disease.

Genetic Services Laboratory, University of Chicago
Classification: Benign. Last evaluated: 2013-02-27. Review status: criteria provided, single submitter. Criteria: ACMG Guidelines, 2007. Collection method: clinical testing. Allele origin: germline. Inheritance: Autosomal recessive inheritance.

Breakthrough Genomics
Classification: Likely benign. Review status: criteria provided, single submitter. Criteria: ACMG Guidelines, 2015. Collection method: not provided. Allele origin: germline. Inheritance: Autosomal recessive inheritance. Affected: yes.